The following is an entry in ClinVar:

ClinVar aggregate classification (germline): Benign/Likely benign. Review status: criteria provided, multiple submitters, no conflicts (2 of 4 stars). 4 submissions from 4 submitters: Benign (1); Likely benign (3). Last evaluated 2025-11-24.

Conditions:
Prostate cancer, hereditary, 9 (HPC9). Identifiers: Orphanet 1331, MedGen C1970250, MONDO:0012597, OMIM 610997.
Hereditary cancer-predisposing syndrome. Also called: Tumor predisposition; Neoplastic Syndromes, Hereditary; Hereditary Cancer Syndrome; Hereditary neoplastic syndrome. Identifiers: Orphanet 140162, MedGen C0027672, MeSH D009386, MONDO:0015356.

Allele frequency attached by ClinVar (database versions not stated): TOPMed below 0.00001.
gnomAD v4.1: 1 of 1,613,340 alleles (0.000062%); highest among the groups gnomAD compares: African/African-American, 0.0013%; no homozygotes.

Submissions (4):

Labcorp Genetics (formerly Invitae), Labcorp
Classification: Likely benign. Last evaluated: 2025-11-24. Review status: criteria provided, single submitter. Criteria: Invitae Variant Classification Sherloc (09022015). Collection method: clinical testing. Allele origin: germline.

Ambry Genetics
Classification: Likely benign for Hereditary cancer-predisposing syndrome. Last evaluated: 2025-10-28. Review status: criteria provided, single submitter. Criteria: Ambry Variant Classification Scheme 2023. Collection method: clinical testing. Allele origin: germline.

Quest Diagnostics Nichols Institute San Juan Capistrano
Classification: Likely benign. Last evaluated: 2025-06-24. Review status: criteria provided, single submitter. Criteria: Quest Diagnostics criteria. Collection method: clinical testing. Allele origin: unknown.

Myriad Genetics, Inc.
Classification: Benign for Prostate cancer, hereditary, 9. Last evaluated: 2024-10-29. Review status: criteria provided, single submitter. Criteria: Myriad Autosomal Dominant, Autosomal Recessive and X-Linked Classification Criteria (2023). Collection method: clinical testing. Allele origin: unknown.
Comment: This variant is considered benign. This variant is a silent/synonymous amino acid change and it is not expected to impact splicing.

NM_006361.6(HOXB13):c.168G>C (p.Ser56=)

Gene: HOXB13 (homeobox B13; minus strand). Cytogenetic location: 17q21.32.
Variant type: single nucleotide variant.
Coding change: c.168G>C on transcript NM_006361.6 (MANE Select); coding-DNA position 168, G replaced by C.
Protein change: p.Ser56=; no amino-acid change (serine 56 retained).
Molecular consequence: synonymous variant.
Genome position (GRCh38, 1-based): chr17:48,728,426, C>G on the plus strand (G>C on the coding strand, the complement: HOXB13 is on the minus strand). VCF-style: chr17-48728426-C-G. GRCh37 (hg19) VCF-style: chr17-46805788-C-G.
Identifiers: ClinVar variation 1896650 (VCV001896650.8), dbSNP rs1325861190, ClinGen allele CA500502680.